The following is an entry in ClinVar:

NM_017780.4(CHD7):c.2272C>T (p.Arg758Cys)

Gene: CHD7 (chromodomain helicase DNA binding protein 7; plus strand). Cytogenetic location: 8q12.2.
Variant type: single nucleotide variant.
Coding change: c.2272C>T on transcript NM_017780.4 (MANE Select); coding-DNA position 2272, C replaced by T.
Protein change: p.Arg758Cys; replaces arginine 758 with cysteine.
Molecular consequence: missense variant. On other transcripts: intron variant (1).
Genome position (GRCh38, 1-based): chr8:60,800,421, C>T. VCF-style: chr8-60800421-C-T. GRCh37 (hg19) VCF-style: chr8-61712980-C-T.
Other names: c.1716+19371C>T (NM_001316690.1); short protein forms R758C.
Identifiers: ClinVar variation 1917865 (VCV001917865.5), dbSNP rs2487672561, ClinGen allele CA371299049.

ClinVar aggregate classification (germline): Uncertain significance (1 of 4 stars; one submission).

Conditions:
CHARGE syndrome (CHARGE). Also called: Hittner Hirsch Kreh syndrome; CHARGE ASSOCIATION--COLOBOMA, HEART ANOMALY, CHOANAL ATRESIA, RETARDATION, GENITAL AND EAR ANOMALIES; Coloboma, heart anomaly, choanal atresia, retardation, genital and ear anomalies; CHARGE association; Hall-Hittner syndrome. Identifiers: Orphanet 138, MedGen C0265354, MONDO:0008965.

Allele frequency attached by ClinVar (database versions not stated): gnomAD exomes below 0.00001.
gnomAD v4.1: 4 of 1,613,632 alleles (0.00025%); highest among the groups gnomAD compares: Non-Finnish European, 0.00025%; no homozygotes.

Submission:

Labcorp Genetics (formerly Invitae), Labcorp
Classification: Uncertain significance for CHARGE syndrome. Last evaluated: 2026-01-16. Review status: criteria provided, single submitter. Criteria: Invitae Variant Classification Sherloc (09022015). Collection method: clinical testing. Allele origin: germline.
Comment: This sequence change replaces arginine, which is basic and polar, with cysteine, which is neutral and slightly polar, at codon 758 of the CHD7 protein (p.Arg758Cys). This variant is not present in population databases (gnomAD no frequency). This missense change has been observed in individual(s) with hypogonadotropic hypogonadism (PMID: 36531499). ClinVar contains an entry for this variant (Variation ID: 1917865). Invitae Evidence Modeling of protein sequence and biophysical properties (such as structural, functional, and spatial information, amino acid conservation, physicochemical variation, residue mobility, and thermodynamic stability) has been performed for this missense variant. However, the output from this modeling did not meet the statistical confidence thresholds required to predict the impact of this variant on CHD7 protein function. In summary, the available evidence is currently insufficient to determine the role of this variant in disease. Therefore, it has been classified as a Variant of Uncertain Significance.

Literature cited by the submitters: PubMed 36531499.